The following is an entry in ClinVar:

ClinVar aggregate classification (germline): Likely pathogenic (1 of 4 stars; one submission).

Submission:

GeneDx
Classification: Likely pathogenic. Last evaluated: 2025-06-12. Review status: criteria provided, single submitter. Criteria: GeneDx Variant Classification Process June 2021. Collection method: clinical testing. Allele origin: germline. Affected: yes.
Comment: De novo variant with confirmed parentage in a patient with features of CLDN5-related neurodevelopmental disorder; reported as S58R using alternate nomenclature (PMID: 36477332); Not observed at significant frequency in large population cohorts (gnomAD); In silico analysis supports that this missense variant has a deleterious effect on protein structure/function; This variant is associated with the following publications: (PMID: 36477332)

NM_001363066.2(CLDN5):c.174C>G (p.Ser58Arg)

Gene: CLDN5 (claudin 5; minus strand). Cytogenetic location: 22q11.21.
Variant type: single nucleotide variant.
Coding change: c.174C>G on transcript NM_001363066.2 (MANE Select); coding-DNA position 174, C replaced by G.
Protein change: p.Ser58Arg; replaces serine 58 with arginine.
Molecular consequence: missense variant.
Genome position (GRCh38, 1-based): chr22:19,524,082, G>C on the plus strand (C>G on the coding strand, the complement: CLDN5 is on the minus strand). VCF-style: chr22-19524082-G-C. GRCh37 (hg19) VCF-style: chr22-19511605-G-C.
Other names: c.429C>G, p.Ser143Arg (NM_001130861.1, NM_001363067.2, NM_003277.4); short protein forms S143R, S58R.
Identifiers: ClinVar variation 4537854 (VCV004537854.1).